The following is an entry in ClinVar:

ClinVar aggregate classification (germline): Uncertain significance. Review status: criteria provided, multiple submitters, no conflicts (2 of 4 stars). 2 submissions from 2 submitters: Uncertain significance (2). Last evaluated 2024-10-24.

Conditions:
Inborn genetic diseases. Identifiers: MedGen C0950123, MeSH D030342.
Congenital myasthenic syndrome 8. Also called: MYASTHENIC SYNDROME, CONGENITAL, DUE TO AGRIN DEFICIENCY; Myasthenic syndrome, congenital, 8, with pre- and postsynaptic defects. Identifiers: Orphanet 590, MedGen C3808739, MONDO:0014052, OMIM 615120.

Allele frequency attached by ClinVar (database versions not stated): gnomAD exomes below 0.00001; TOPMed 0.00002; gnomAD 0.00001.
gnomAD v4.1: 3 of 1,598,946 alleles (0.00019%); highest among the groups gnomAD compares: Admixed American, 0.0033%; no homozygotes.

Submissions (2):

Ambry Genetics
Classification: Uncertain significance for Inborn genetic diseases. Last evaluated: 2024-10-24. Review status: criteria provided, single submitter. Criteria: Ambry Variant Classification Scheme 2023. Collection method: clinical testing. Allele origin: germline.

Labcorp Genetics (formerly Invitae), Labcorp
Classification: Uncertain significance for Congenital myasthenic syndrome 8. Last evaluated: 2022-04-26. Review status: criteria provided, single submitter. Criteria: Invitae Variant Classification Sherloc (09022015). Collection method: clinical testing. Allele origin: germline.
Comment: In summary, the available evidence is currently insufficient to determine the role of this variant in disease. Therefore, it has been classified as a Variant of Uncertain Significance. Algorithms developed to predict the effect of missense changes on protein structure and function output the following: SIFT: "Tolerated"; PolyPhen-2: "Benign"; Align-GVGD: "Class C0". The asparagine amino acid residue is found in multiple mammalian species, which suggests that this missense change does not adversely affect protein function. ClinVar contains an entry for this variant (Variation ID: 1020696). This variant has not been reported in the literature in individuals affected with AGRN-related conditions. This sequence change replaces serine, which is neutral and polar, with asparagine, which is neutral and polar, at codon 1051 of the AGRN protein (p.Ser1051Asn). This variant is present in population databases (no rsID available, gnomAD 0.003%).

NM_198576.4(AGRN):c.3152G>A (p.Ser1051Asn)

Gene: AGRN (agrin; plus strand). Cytogenetic location: 1p36.33.
Variant type: single nucleotide variant.
Coding change: c.3152G>A on transcript NM_198576.4 (MANE Select); coding-DNA position 3152, G replaced by A.
Protein change: p.Ser1051Asn; replaces serine 1051 with asparagine.
Molecular consequence: missense variant.
Genome position (GRCh38, 1-based): chr1:1,046,637, G>A. VCF-style: chr1-1046637-G-A. GRCh37 (hg19) VCF-style: chr1-982017-G-A.
Other names: c.3152G>A, p.Ser1051Asn (NM_001305275.2); c.2837G>A, p.Ser946Asn (NM_001364727.2); c.3152G>A (NM_198576.3); short protein forms S1051N, S946N.
Identifiers: ClinVar variation 1020696 (VCV001020696.7), dbSNP rs1014335796, ClinGen allele CA16758817.